The following is an entry in ClinVar:

NM_000127.3(EXT1):c.1817G>A (p.Trp606Ter)

Gene: EXT1 (exostosin glycosyltransferase 1; minus strand). Cytogenetic location: 8q24.11.
Variant type: single nucleotide variant.
Coding change: c.1817G>A on transcript NM_000127.3 (MANE Select); coding-DNA position 1817, G replaced by A.
Protein change: p.Trp606Ter; replaces tryptophan 606 with a stop codon.
Molecular consequence: nonsense.
Genome position (GRCh38, 1-based): chr8:117,807,283, C>T on the plus strand (G>A on the coding strand, the complement: EXT1 is on the minus strand). VCF-style: chr8-117807283-C-T. GRCh37 (hg19) VCF-style: chr8-118819522-C-T.
Other names: short protein forms W606*.
Identifiers: ClinVar variation 662503 (VCV000662503.10), dbSNP rs1586990317, ClinGen allele CA371878191.
Genomic context (GRCh38, chr8:117,807,283, plus strand): 5'-TAAATAGCAGCTCCTGTCAACACCATGGAGTAGTCGTTCGTCCACTTTGATGTGTATCCC[C>T]ACCGCTCCTTAGAGTTATCCCAGAAGTGGCTGCGCGCGGGGTACCCCACAATCCTCTCAG-3'

ClinVar aggregate classification (germline): Pathogenic. Review status: criteria provided, multiple submitters, no conflicts (2 of 4 stars). 4 submissions from 4 submitters: Pathogenic (4). Last evaluated 2026-03-27.

Conditions:
Exostoses, multiple, type 1 (EXT1). Also called: Hereditary Multiple Osteochondromatosis, Type I; EXOSTOSES, MULTIPLE, TYPE I. Identifiers: MedGen CN263289, MONDO:0007585, OMIM 133700.
Multiple congenital exostosis (EXT). Also called: Multiple exostoses; Hereditary multiple exostoses; Hereditary multiple exostosis; MULTIPLE CARTILAGINOUS EXOSTOSES; Multiple osteochondromas; Hereditary multiple osteochondromas. Identifiers: Orphanet 321, MedGen C0015306, MONDO:0005508, HP:0002762.
EXT1-related disorder. Also called: EXT1-related condition.

Submissions (4):

Department of Human Genetics, Hannover Medical School
Classification: Pathogenic for Exostoses, multiple, type 1. Last evaluated: 2026-03-27. Review status: criteria provided, single submitter. Criteria: ACMG Guidelines, 2015. Collection method: clinical testing. Allele origin: germline. Inheritance: Autosomal dominant inheritance. Affected: yes.
Comment: ACMG/SVI: PVS1, PS4_Supporting, PM2_Supporting, PP4

PreventionGenetics, part of Exact Sciences
Classification: Pathogenic for EXT1-related condition. Last evaluated: 2025-08-21. Review status: criteria provided, single submitter. Criteria: ACMG Guidelines, 2015. Collection method: clinical testing. Allele origin: germline.
Comment: The EXT1 c.1817G>A variant is predicted to result in premature protein termination (p.Trp606*). This variant has been reported to segregate with disease in a family with multiple osteochondromas (Wells et al. 1997. PubMed ID: 9150727). This variant has not been reported in a large population database (gnomAD), indicating it is rare. Nonsense variants in EXT1 are expected to be pathogenic. This variant is interpreted as pathogenic.

Labcorp Genetics (formerly Invitae), Labcorp
Classification: Pathogenic for Multiple congenital exostosis. Last evaluated: 2025-08-16. Review status: criteria provided, single submitter. Criteria: Invitae Variant Classification Sherloc (09022015). Collection method: clinical testing. Allele origin: germline.
Comment: This sequence change creates a premature translational stop signal (p.Trp606*) in the EXT1 gene. It is expected to result in an absent or disrupted protein product. Loss-of-function variants in EXT1 are known to be pathogenic (PMID: 10679937, 11391482, 19810120). This variant is not present in population databases (gnomAD no frequency). This premature translational stop signal has been observed in individual(s) with hereditary multiple exostoses (PMID: 9150727). It has also been observed to segregate with disease in related individuals. Invitae Evidence Modeling of clinical and family history, age, sex, and reported ancestry of multiple individuals with this EXT1 variant has been performed. This variant is expected to be pathogenic with a positive predictive value of at least 99%. This is a validated machine learning model that incorporates the clinical features of 66,185 individuals referred to our laboratory for EXT1 testing. ClinVar contains an entry for this variant (Variation ID: 662503). For these reasons, this variant has been classified as Pathogenic.

GeneDx
Classification: Pathogenic. Last evaluated: 2024-08-13. Review status: criteria provided, single submitter. Criteria: GeneDx Variant Classification Process June 2021. Collection method: clinical testing. Allele origin: germline. Affected: yes.
Comment: Not observed at significant frequency in large population cohorts (gnomAD); Nonsense variant predicted to result in protein truncation or nonsense mediated decay in a gene for which loss of function is a known mechanism of disease; This variant is associated with the following publications: (PMID: 25525159, 38666931, 11391482, 9150727)

Literature cited by the submitters: PubMed 10679937 (cited by Labcorp Genetics (formerly Invitae), Labcorp); PubMed 11391482 (cited by Labcorp Genetics (formerly Invitae), Labcorp); PubMed 19810120 (cited by Labcorp Genetics (formerly Invitae), Labcorp); PubMed 9150727 (cited by Labcorp Genetics (formerly Invitae), Labcorp).